The following is an entry in ClinVar:

NM_006904.7(PRKDC):c.11606C>T (p.Thr3869Met)

Gene: PRKDC (protein kinase, DNA-activated, catalytic subunit; minus strand). Cytogenetic location: 8q11.21.
Variant type: single nucleotide variant.
Coding change: c.11606C>T on transcript NM_006904.7 (MANE Select); coding-DNA position 11606, C replaced by T.
Protein change: p.Thr3869Met; replaces threonine 3869 with methionine.
Molecular consequence: missense variant.
Genome position (GRCh38, 1-based): chr8:47,778,773, G>A on the plus strand (C>T on the coding strand, the complement: PRKDC is on the minus strand). VCF-style: chr8-47778773-G-A. GRCh37 (hg19) VCF-style: chr8-48691334-G-A.
Other names: c.11513C>T, p.Thr3838Met (NM_001081640.2); short protein forms T3869M, T3838M.
Identifiers: ClinVar variation 571579 (VCV000571579.6), dbSNP rs550306617, ClinGen allele CA4739043.

ClinVar aggregate classification (germline): Uncertain significance (1 of 4 stars; one submission).

Conditions:
Severe combined immunodeficiency due to DNA-PKcs deficiency. Also called: IMMUNODEFICIENCY 26 WITH NEUROLOGIC ABNORMALITIES; Immunodeficiency 26 with or without neurologic abnormalities. Identifiers: Orphanet 317425, MedGen C4014833, MONDO:0014423, OMIM 615966.

Allele frequency attached by ClinVar (database versions not stated): gnomAD 0.00002 and 0.00003; TOPMed 0.00002; gnomAD exomes 0.00008 and 0.00011; ExAC 0.00016; 1000 Genomes Project 30x 0.00031; 1000 Genomes Project 0.00040.
gnomAD v4.1: 115 of 1,613,698 alleles (0.0071%); highest among the groups gnomAD compares: South Asian, 0.088%; 1 homozygote.

Submission:

Labcorp Genetics (formerly Invitae), Labcorp
Classification: Uncertain significance for Severe combined immunodeficiency due to DNA-PKcs deficiency. Last evaluated: 2022-08-23. Review status: criteria provided, single submitter. Criteria: Invitae Variant Classification Sherloc (09022015). Collection method: clinical testing. Allele origin: germline.
Comment: This sequence change replaces threonine, which is neutral and polar, with methionine, which is neutral and non-polar, at codon 3869 of the PRKDC protein (p.Thr3869Met). This variant is present in population databases (rs550306617, gnomAD 0.08%). This variant has not been reported in the literature in individuals affected with PRKDC-related conditions. ClinVar contains an entry for this variant (Variation ID: 571579). Algorithms developed to predict the effect of missense changes on protein structure and function output the following: SIFT: "Not Available"; PolyPhen-2: "Not Available"; Align-GVGD: "Not Available". The methionine amino acid residue is found in multiple mammalian species, which suggests that this missense change does not adversely affect protein function. In summary, the available evidence is currently insufficient to determine the role of this variant in disease. Therefore, it has been classified as a Variant of Uncertain Significance.